The following is an entry in ClinVar:

ClinVar aggregate classification (germline): Uncertain significance. Review status: criteria provided, multiple submitters, no conflicts (2 of 4 stars). 5 submissions from 5 submitters: Uncertain significance (5). Last evaluated 2026-02-04.

Conditions:
Malignant hyperthermia, susceptibility to, 1 (MHS1). Also called: Malignant hyperthermia suceptibility 1; Anesthesia related hyperthermia; Malignant hyperpyrexia; Fulminating hyperpyrexia; Pharmacogenic myopathy; RYR1-Related Malignant Hyperthermia Susceptibility. Identifiers: Orphanet 423, MedGen C2930980, MONDO:0007783, OMIM 145600.
RYR1-related disorder. Also called: RYR1-related condition; RYR1-related disorders. Identifiers: MedGen CN239331.

Allele frequency attached by ClinVar (database versions not stated): gnomAD 0.00001; ExAC 0.00002; gnomAD exomes 0.00002; TOPMed 0.00002.
gnomAD v4.1: 27 of 1,614,100 alleles (0.0017%); highest among the groups gnomAD compares: South Asian, 0.012%; no homozygotes.

Submissions (5):

GeneDx
Classification: Uncertain significance. Last evaluated: 2026-02-04. Review status: criteria provided, single submitter. Criteria: GeneDx Variant Classification Process June 2021. Collection method: clinical testing. Allele origin: germline.
Comment: In silico analysis supports that this missense variant has a deleterious effect on protein structure/function; In silico analysis suggests this variant may impact gene splicing. In the absence of RNA/functional studies, the actual effect of this sequence change is unknown.; Has not been previously published as pathogenic or benign to our knowledge

Color Diagnostics, LLC DBA Color Health
Classification: Uncertain significance for Malignant hyperthermia, susceptibility to, 1. Last evaluated: 2025-06-18. Review status: criteria provided, single submitter. Criteria: ACMG Guidelines, 2015. Collection method: clinical testing. Allele origin: germline.
Comment: This missense variant replaces arginine with cysteine at codon 1100 of the RYR1 protein. Computational prediction suggests that this variant may have deleterious impact on protein structure and function. To our knowledge, functional studies have not been reported for this variant. This variant has not been reported in individuals affected with RYR1-related disorders in the literature. This variant has been identified in 11/282820 chromosomes in the general population by the Genome Aggregation Database (gnomAD). The available evidence is insufficient to determine the role of this variant in disease conclusively. Therefore, this variant is classified as a Variant of Uncertain Significance.

Labcorp Genetics (formerly Invitae), Labcorp
Classification: Uncertain significance for RYR1-related disorder. Last evaluated: 2024-05-06. Review status: criteria provided, single submitter. Criteria: Invitae Variant Classification Sherloc (09022015). Collection method: clinical testing. Allele origin: germline.
Comment: This sequence change replaces arginine, which is basic and polar, with cysteine, which is neutral and slightly polar, at codon 1100 of the RYR1 protein (p.Arg1100Cys). This variant is present in population databases (rs750429900, gnomAD 0.02%). This variant has not been reported in the literature in individuals affected with RYR1-related conditions. Advanced modeling of protein sequence and biophysical properties (such as structural, functional, and spatial information, amino acid conservation, physicochemical variation, residue mobility, and thermodynamic stability) performed at Invitae indicates that this missense variant is expected to disrupt RYR1 protein function with a positive predictive value of 95%. In summary, the available evidence is currently insufficient to determine the role of this variant in disease. Therefore, it has been classified as a Variant of Uncertain Significance.

All of Us Research Program, National Institutes of Health
Classification: Uncertain significance for Malignant hyperthermia, susceptibility to, 1. Last evaluated: 2023-09-17. Review status: criteria provided, single submitter. Criteria: ACMG Guidelines, 2015. Collection method: clinical testing. Allele origin: germline. Inheritance: Autosomal dominant inheritance. Observed: 5 variant alleles, 5 heterozygotes.
Comment: This missense variant replaces arginine with cysteine at codon 1100 of the RYR1 protein. Computational prediction suggests that this variant may have deleterious impact on protein structure and function (internally defined REVEL score threshold >= 0.7, PMID: 27666373). To our knowledge, functional studies have not been reported for this variant. This variant has not been reported in individuals affected with RYR1-related disorders in the literature. This variant has been identified in 11/282820 chromosomes in the general population by the Genome Aggregation Database (gnomAD). The available evidence is insufficient to determine the role of this variant in disease conclusively. Therefore, this variant is classified as a Variant of Uncertain Significance.

This study involves interpretation of variants in research participants for the purpose of population health screening. Participant phenotype was not available at the time of variant classification. Additional details can be found in publication PMID: 35346344, PMCID: PMC8962531

Revvity Omics, Revvity
Classification: Uncertain significance. Last evaluated: 2023-02-05. Review status: criteria provided, single submitter. Criteria: ACMG Guidelines, 2015. Collection method: clinical testing. Allele origin: germline.

NM_000540.3(RYR1):c.3298C>T (p.Arg1100Cys)

Gene: RYR1 (ryanodine receptor 1; plus strand). Cytogenetic location: 19q13.2.
Variant type: single nucleotide variant.
Coding change: c.3298C>T on transcript NM_000540.3 (MANE Select); coding-DNA position 3298, C replaced by T.
Protein change: p.Arg1100Cys; replaces arginine 1100 with cysteine.
Molecular consequence: missense variant.
Genome position (GRCh38, 1-based): chr19:38,467,729, C>T. VCF-style: chr19-38467729-C-T. GRCh37 (hg19) VCF-style: chr19-38958369-C-T.
Other names: c.3298C>T, p.Arg1100Cys (NM_001042723.2); short protein forms R1100C.
Identifiers: ClinVar variation 2689899 (VCV002689899.8), dbSNP rs750429900, ClinGen allele CA064652.